The following is an entry in ClinVar:

NM_022168.4(IFIH1):c.2045-5T>A

Gene: IFIH1 (interferon induced with helicase C domain 1; minus strand). Cytogenetic location: 2q24.2.
Variant type: single nucleotide variant.
Coding change: c.2045-5T>A on transcript NM_022168.4 (MANE Select); 5 bases into the intron before coding-DNA position 2045, T replaced by A.
Molecular consequence: intron variant.
Genome position (GRCh38, 1-based): chr2:162,276,951, A>T on the plus strand (T>A on the coding strand, the complement: IFIH1 is on the minus strand). VCF-style: chr2-162276951-A-T. GRCh37 (hg19) VCF-style: chr2-163133461-A-T.
Identifiers: ClinVar variation 3763164 (VCV003763164.2).

ClinVar aggregate classification (germline): Uncertain significance (1 of 4 stars; one submission).

Conditions:
Aicardi-Goutieres syndrome 7 (AGS7). Identifiers: Orphanet 51, MedGen C3888244, MONDO:0014367, OMIM 615846.
Singleton-Merten syndrome 1 (SGMRT1). Also called: Widened medullary cavities of bone, aortic calcification, abnormal dentition, and muscular weakness; Syndrome of widened medullary cavities of the metacarpals and phalanges, aortic calcification and abnormal dentition. Identifiers: Orphanet 85191, MedGen C4225427, MONDO:0024535, OMIM 182250.

Submission:

Labcorp Genetics (formerly Invitae), Labcorp
Classification: Uncertain significance for Aicardi-Goutieres syndrome 7; Singleton-Merten syndrome 1. Last evaluated: 2024-05-31. Review status: criteria provided, single submitter. Criteria: Invitae Variant Classification Sherloc (09022015). Collection method: clinical testing. Allele origin: germline.
Comment: This sequence change falls in intron 10 of the IFIH1 gene. It does not directly change the encoded amino acid sequence of the IFIH1 protein. This variant is not present in population databases (gnomAD no frequency). This variant has not been reported in the literature in individuals affected with IFIH1-related conditions. Algorithms developed to predict the effect of sequence changes on RNA splicing suggest that this variant may disrupt the consensus splice site. In summary, the available evidence is currently insufficient to determine the role of this variant in disease. Therefore, it has been classified as a Variant of Uncertain Significance.